The following is an entry in ClinVar:

NM_016373.4(WWOX):c.763G>A (p.Val255Ile)

Gene: WWOX (WW domain containing oxidoreductase; plus strand). Cytogenetic location: 16q23.1.
Variant type: single nucleotide variant.
Coding change: c.763G>A on transcript NM_016373.4 (MANE Select); coding-DNA position 763, G replaced by A.
Protein change: p.Val255Ile; replaces valine 255 with isoleucine.
Molecular consequence: missense variant.
Genome position (GRCh38, 1-based): chr16:78,425,027, G>A. VCF-style: chr16-78425027-G-A. GRCh37 (hg19) VCF-style: chr16-78458924-G-A.
Other names: c.424G>A, p.Val142Ile (NM_001291997.2); short protein forms V142I, V255I.
Identifiers: ClinVar variation 1057241 (VCV001057241.8), dbSNP rs765590833, ClinGen allele CA8183451.

ClinVar aggregate classification (germline): Uncertain significance (1 of 4 stars; one submission).

Conditions:
Developmental and epileptic encephalopathy, 1 (DEE1). Also called: X-linked infantile spasms; West's syndrome; Tonic spasms with clustering, arrest of psychomotor development and hypsarrhythmia on EEG; X-Linked Infantile Spasm Syndrome; Epileptic encephalopathy, early infantile, 1; INFANTILE SPASM SYNDROME, X-LINKED 1. Identifiers: MedGen C3463992, MONDO:0010632, OMIM 308350. Disease mechanism: loss of function.
Autosomal recessive spinocerebellar ataxia 12. Also called: SPINOCEREBELLAR ATAXIA WITH MENTAL RETARDATION AND EPILEPSY. Identifiers: Orphanet 284282, MedGen C3280452, MONDO:0013687, OMIM 614322.

Allele frequency attached by ClinVar (database versions not stated): TOPMed below 0.00001; gnomAD 0.00001; gnomAD exomes 0.00002 and 0.00003; ExAC 0.00004.
gnomAD v4.1: 37 of 1,613,794 alleles (0.0023%); highest among the groups gnomAD compares: South Asian, 0.0055%; no homozygotes.

Submission:

Labcorp Genetics (formerly Invitae), Labcorp
Classification: Uncertain significance for Developmental and epileptic encephalopathy, 1; Autosomal recessive spinocerebellar ataxia 12. Last evaluated: 2026-01-12. Review status: criteria provided, single submitter. Criteria: Invitae Variant Classification Sherloc (09022015). Collection method: clinical testing. Allele origin: germline.
Comment: This sequence change replaces valine, which is neutral and non-polar, with isoleucine, which is neutral and non-polar, at codon 255 of the WWOX protein (p.Val255Ile). This variant is present in population databases (rs765590833, gnomAD 0.01%). This variant has not been reported in the literature in individuals affected with WWOX-related conditions. ClinVar contains an entry for this variant (Variation ID: 1057241). Invitae Evidence Modeling of protein sequence and biophysical properties (such as structural, functional, and spatial information, amino acid conservation, physicochemical variation, residue mobility, and thermodynamic stability) indicates that this missense variant is not expected to disrupt WWOX protein function with a negative predictive value of 80%. In summary, the available evidence is currently insufficient to determine the role of this variant in disease. Therefore, it has been classified as a Variant of Uncertain Significance.